The following is an entry in ClinVar:

ClinVar aggregate classification (germline): Uncertain significance. Review status: criteria provided, multiple submitters, no conflicts (2 of 4 stars). 2 submissions from 2 submitters: Uncertain significance (2). Last evaluated 2022-10-28.

Conditions:
LAMA2-related muscular dystrophy (LAMA2-RD). Also called: Laminin alpha 2-related dystrophy. Identifiers: MedGen C5679788, MONDO:0100228.
Inborn genetic diseases. Identifiers: MedGen C0950123, MeSH D030342.

Allele frequency attached by ClinVar (database versions not stated): gnomAD exomes 0.00001; TOPMed 0.00001; ExAC 0.00002.
gnomAD v4.1: 12 of 1,614,140 alleles (0.00074%); highest among the groups gnomAD compares: Middle Eastern, 0.033%; no homozygotes.

Submissions (2):

Labcorp Genetics (formerly Invitae), Labcorp
Classification: Uncertain significance for LAMA2-related muscular dystrophy. Last evaluated: 2022-10-28. Review status: criteria provided, single submitter. Criteria: Invitae Variant Classification Sherloc (09022015). Collection method: clinical testing. Allele origin: germline.
Comment: This sequence change replaces arginine, which is basic and polar, with serine, which is neutral and polar, at codon 1555 of the LAMA2 protein (p.Arg1555Ser). This variant is present in population databases (rs768204363, gnomAD 0.009%). This variant has not been reported in the literature in individuals affected with LAMA2-related conditions. ClinVar contains an entry for this variant (Variation ID: 1393357). Advanced modeling of protein sequence and biophysical properties (such as structural, functional, and spatial information, amino acid conservation, physicochemical variation, residue mobility, and thermodynamic stability) performed at Invitae indicates that this missense variant is not expected to disrupt LAMA2 protein function. In summary, the available evidence is currently insufficient to determine the role of this variant in disease. Therefore, it has been classified as a Variant of Uncertain Significance.

Ambry Genetics
Classification: Uncertain significance for Inborn genetic diseases. Last evaluated: 2022-07-20. Review status: criteria provided, single submitter. Criteria: Ambry Variant Classification Scheme 2023. Collection method: clinical testing. Allele origin: germline.

NM_000426.4(LAMA2):c.4665G>C (p.Arg1555Ser)

Gene: LAMA2 (laminin subunit alpha 2; plus strand). Cytogenetic location: 6q22.33.
Variant type: single nucleotide variant.
Coding change: c.4665G>C on transcript NM_000426.4 (MANE Select); coding-DNA position 4665, G replaced by C.
Protein change: p.Arg1555Ser; replaces arginine 1555 with serine.
Molecular consequence: missense variant.
Genome position (GRCh38, 1-based): chr6:129,353,305, G>C. VCF-style: chr6-129353305-G-C. GRCh37 (hg19) VCF-style: chr6-129674450-G-C.
Other names: c.4665G>C, p.Arg1555Ser (NM_001079823.2); c.4665G>C (NM_000426.3); short protein forms R1555S.
Identifiers: ClinVar variation 1393357 (VCV001393357.4), dbSNP rs768204363, ClinGen allele CA3993622.